The following is an entry in ClinVar:

ClinVar aggregate classification (germline): Uncertain significance (1 of 4 stars; one submission).

Conditions:
Nephronophthisis. Also called: Juvenile Nephronophthisis. Identifiers: Orphanet 655, MedGen C0687120, MONDO:0019005, HP:0000090.

Submission:

Labcorp Genetics (formerly Invitae), Labcorp
Classification: Uncertain significance for Nephronophthisis. Last evaluated: 2021-09-18. Review status: criteria provided, single submitter. Criteria: Invitae Variant Classification Sherloc (09022015). Collection method: clinical testing. Allele origin: germline.
Comment: This variant has not been reported in the literature in individuals affected with NPHP3-related conditions. This variant is not present in population databases (ExAC no frequency). This sequence change replaces asparagine with serine at codon 514 of the NPHP3 protein (p.Asn514Ser). The asparagine residue is moderately conserved and there is a small physicochemical difference between asparagine and serine. Algorithms developed to predict the effect of missense changes on protein structure and function are either unavailable or do not agree on the potential impact of this missense change (SIFT: "Deleterious"; PolyPhen-2: "Benign"; Align-GVGD: "Class C0"). In summary, the available evidence is currently insufficient to determine the role of this variant in disease. Therefore, it has been classified as a Variant of Uncertain Significance.

NM_153240.5(NPHP3):c.1541A>G (p.Asn514Ser)

Genes: NPHP3 (nephrocystin 3; minus strand), NPHP3-ACAD11 (NPHP3-ACAD11 readthrough (NMD candidate); minus strand). Cytogenetic location: 3q22.1.
Variant type: single nucleotide variant.
Coding change: c.1541A>G on transcript NM_153240.5 (MANE Select); coding-DNA position 1541, A replaced by G.
Protein change: p.Asn514Ser; replaces asparagine 514 with serine.
Molecular consequence: missense variant. On other transcripts: non-coding transcript variant (1).
Genome position (GRCh38, 1-based): chr3:132,701,517, T>C on the plus strand (A>G on the coding strand, the complement: NPHP3 is on the minus strand). VCF-style: chr3-132701517-T-C. GRCh37 (hg19) VCF-style: chr3-132420361-T-C.
Other names: short protein forms N514S.
Identifiers: ClinVar variation 1496500 (VCV001496500.6), dbSNP rs1032053554, ClinGen allele CA83593524.